The following is an entry in ClinVar:

ClinVar aggregate classification (germline): Uncertain significance. Review status: criteria provided, multiple submitters, no conflicts (2 of 4 stars). 3 submissions from 3 submitters: Uncertain significance (3). Last evaluated 2025-07-20.

Conditions:
Stormorken syndrome (STRMK). Also called: THROMBOCYTOPATHY, ASPLENIA, AND MIOSIS. Identifiers: Orphanet 3204, MedGen C1861451, MONDO:0008497, OMIM 185070.
Combined immunodeficiency due to STIM1 deficiency. Also called: IMMUNODEFICIENCY 10; STIM1 DEFICIENCY. Identifiers: Orphanet 169090, Orphanet 317430, MedGen C2748557, MONDO:0013008, OMIM 612783.
Myopathy with tubular aggregates (TAM). Also called: Tubular Aggregate Myopathy. Identifiers: Orphanet 2593, MedGen C0410207, MONDO:0008051.
Inborn genetic diseases. Identifiers: MedGen C0950123, MeSH D030342.

Allele frequency attached by ClinVar (database versions not stated): TOPMed 0.00001; gnomAD 0.00005; ExAC 0.00001.
gnomAD v4.1: 9 of 1,614,038 alleles (0.00056%); highest among the groups gnomAD compares: Admixed American, 0.013%; 1 homozygote.

Submissions (3):

Labcorp Genetics (formerly Invitae), Labcorp
Classification: Uncertain significance for Myopathy with tubular aggregates; Combined immunodeficiency due to STIM1 deficiency; Stormorken syndrome. Last evaluated: 2025-07-20. Review status: criteria provided, single submitter. Criteria: Invitae Variant Classification Sherloc (09022015). Collection method: clinical testing. Allele origin: germline.
Comment: This sequence change replaces alanine, which is neutral and non-polar, with valine, which is neutral and non-polar, at codon 31 of the STIM1 protein (p.Ala31Val). This variant is present in population databases (rs778297119, gnomAD 0.0009%). This variant has not been reported in the literature in individuals affected with STIM1-related conditions. ClinVar contains an entry for this variant (Variation ID: 2067637). An algorithm developed to predict the effect of missense changes on protein structure and function outputs the following: PolyPhen-2: "Benign". The valine amino acid residue is found in multiple mammalian species, which suggests that this missense change does not adversely affect protein function. In summary, the available evidence is currently insufficient to determine the role of this variant in disease. Therefore, it has been classified as a Variant of Uncertain Significance.

Women's Health and Genetics/Laboratory Corporation of America, LabCorp
Classification: Uncertain significance. Last evaluated: 2024-05-07. Review status: criteria provided, single submitter. Criteria: LabCorp Variant Classification Summary - May 2015. Collection method: clinical testing. Allele origin: germline.
Comment: Variant summary: STIM1 c.92C>T (p.Ala31Val) results in a non-conservative amino acid change in the encoded protein sequence. Four of five in-silico tools predict a benign effect of the variant on protein function. The variant allele was found at a frequency of 8e-06 in 251338 control chromosomes. The available data on variant occurrences in the general population are insufficient to allow any conclusion about variant significance. To our knowledge, no occurrence of c.92C>T in individuals affected with STIM1-Related Disorders and no experimental evidence demonstrating its impact on protein function have been reported. ClinVar contains an entry for this variant (Variation ID: 2067637). Based on the evidence outlined above, the variant was classified as uncertain significance.

Ambry Genetics
Classification: Uncertain significance for Inborn genetic diseases. Last evaluated: 2023-03-06. Review status: criteria provided, single submitter. Criteria: Ambry Variant Classification Scheme 2023. Collection method: clinical testing. Allele origin: germline.

NM_001382567.1(STIM1):c.92C>T (p.Ala31Val)

Gene: STIM1 (stromal interaction molecule 1; plus strand). Cytogenetic location: 11p15.4.
Variant type: single nucleotide variant.
Coding change: c.92C>T on transcript NM_001382567.1 (MANE Select); coding-DNA position 92, C replaced by T.
Protein change: p.Ala31Val; replaces alanine 31 with valine.
Molecular consequence: missense variant. On other transcripts: nonsense (1), 5 prime UTR variant (1), non-coding transcript variant (3), intron variant (10).
Genome position (GRCh38, 1-based): chr11:3,856,362, C>T. VCF-style: chr11-3856362-C-T. GRCh37 (hg19) VCF-style: chr11-3877592-C-T.
Other names: c.92C>T, p.Ala31Val (NM_001277961.3, NM_001277962.2, NM_001382568.1 and 3 more transcripts); c.88C>T, p.Arg30Ter (NM_001382569.1); c.-146C>T (NM_001382571.1); c.-84+1626C>T (NM_001382578.1, NM_001382575.1, NM_001382574.1); c.-220+1626C>T (NM_001382580.1, NM_001382581.1); c.-84+1708C>T (NM_001382576.1); c.-84+946C>T (NM_001382566.1, NM_001382579.1, NM_001382577.1 and 1 more transcripts); short protein forms A31V, R30*.
Identifiers: ClinVar variation 2067637 (VCV002067637.7), dbSNP rs778297119, ClinGen allele CA5830114.